The following is an entry in ClinVar:

NM_001363118.2(SLC52A2):c.311C>A (p.Pro104Gln)

Gene: SLC52A2 (solute carrier family 52 member 2; plus strand). Cytogenetic location: 8q24.3.
Variant type: single nucleotide variant.
Coding change: c.311C>A on transcript NM_001363118.2 (MANE Select); coding-DNA position 311, C replaced by A.
Protein change: p.Pro104Gln; replaces proline 104 with glutamine.
Molecular consequence: missense variant. On other transcripts: non-coding transcript variant (1), intron variant (1).
Genome position (GRCh38, 1-based): chr8:144,359,803, C>A. VCF-style: chr8-144359803-C-A. GRCh37 (hg19) VCF-style: chr8-145583463-C-A.
Other names: c.311C>A, p.Pro104Gln (NM_001253815.2, NM_001253816.2, NM_001363120.2 and 2 more transcripts); c.131-312C>A (NM_001363122.2); short protein forms P104Q.
Identifiers: ClinVar variation 1381372 (VCV001381372.6), dbSNP rs782274380, ClinGen allele CA4938163.

ClinVar aggregate classification (germline): Uncertain significance. Review status: criteria provided, multiple submitters, no conflicts (2 of 4 stars). 2 submissions from 2 submitters: Uncertain significance (2). Last evaluated 2021-11-20.

Conditions:
Inborn genetic diseases. Identifiers: MedGen C0950123, MeSH D030342.
Brown-Vialetto-van Laere syndrome 2. Also called: SPINOCEREBELLAR ATAXIA WITH BLINDNESS AND DEAFNESS 2; Riboflavin transporter deficiency type 2. Identifiers: Orphanet 572543, Orphanet 97229, MedGen C3553538, MONDO:0013867, OMIM 614707.

Allele frequency attached by ClinVar (database versions not stated): TOPMed below 0.00001; ExAC 0.00002; gnomAD exomes 0.00001.
gnomAD v4.1: 12 of 1,613,706 alleles (0.00074%); highest among the groups gnomAD compares: South Asian, 0.011%; no homozygotes.

Submissions (2):

Labcorp Genetics (formerly Invitae), Labcorp
Classification: Uncertain significance for Brown-Vialetto-van Laere syndrome 2. Last evaluated: 2021-11-20. Review status: criteria provided, single submitter. Criteria: Invitae Variant Classification Sherloc (09022015). Collection method: clinical testing. Allele origin: germline.
Comment: In summary, the available evidence is currently insufficient to determine the role of this variant in disease. Therefore, it has been classified as a Variant of Uncertain Significance. Advanced modeling of protein sequence and biophysical properties (such as structural, functional, and spatial information, amino acid conservation, physicochemical variation, residue mobility, and thermodynamic stability) performed at Invitae indicates that this missense variant is not expected to disrupt SLC52A2 protein function. This variant has not been reported in the literature in individuals affected with SLC52A2-related conditions. This variant is present in population databases (rs782274380, gnomAD 0.006%). This sequence change replaces proline, which is neutral and non-polar, with glutamine, which is neutral and polar, at codon 104 of the SLC52A2 protein (p.Pro104Gln).

Ambry Genetics
Classification: Uncertain significance for Inborn genetic diseases. Last evaluated: 2021-03-05. Review status: criteria provided, single submitter. Criteria: Ambry Variant Classification Scheme 2023. Collection method: clinical testing. Allele origin: germline.
Comment: The p.P104Q variant (also known as c.311C>A), located in coding exon 2 of the SLC52A2 gene, results from a C to A substitution at nucleotide position 311. The proline at codon 104 is replaced by glutamine, an amino acid with similar properties. This amino acid position is poorly conserved in available vertebrate species. In addition, this alteration is predicted to be tolerated by in silico analysis. Since supporting evidence is limited at this time, the clinical significance of this alteration remains unclear.